The following is an entry in ClinVar:

ClinVar aggregate classification (germline): Benign/Likely benign. Review status: criteria provided, multiple submitters, no conflicts (2 of 4 stars). 3 submissions from 3 submitters: Benign (1); Likely benign (2). Last evaluated 2026-02-01.

Submissions (3):

Labcorp Genetics (formerly Invitae), Labcorp
Classification: Benign. Last evaluated: 2026-02-01. Review status: criteria provided, single submitter. Criteria: Invitae Variant Classification Sherloc (09022015). Collection method: clinical testing. Allele origin: germline.

Blueprint Genetics
Classification: Likely benign. Last evaluated: 2024-11-25. Review status: criteria provided, single submitter. Criteria: ACMG Guidelines, 2015. Collection method: clinical testing. Allele origin: germline.

GeneDx
Classification: Likely benign. Last evaluated: 2021-03-23. Review status: criteria provided, single submitter. Criteria: GeneDx Variant Classification Process June 2021. Collection method: clinical testing. Allele origin: germline. Affected: yes.
Comment: See Variant Classification Assertion Criteria.

NM_020401.4(NUP107):c.1174+17del

Gene: NUP107 (nucleoporin 107; plus strand). Cytogenetic location: 12q15.
Variant type: Deletion.
Coding change: c.1174+17del on transcript NM_020401.4 (MANE Select); 17 bases into the intron after coding-DNA position 1174, one base deleted (T; older notation c.1174+17delT).
Molecular consequence: intron variant.
Genome position (GRCh38, 1-based): chr12:68,719,448, T deleted; the last of 4 consecutive T bases (chr12:68,719,445-68,719,448); deleting any one gives the same sequence. VCF-style (leftmost placement, unchanged base first): chr12-68719444-AT-A. GRCh37 (hg19) VCF-style: chr12-69113224-AT-A.
Other names: c.1087+17del (NM_001330192.2).
Identifiers: ClinVar variation 1579642 (VCV001579642.10), dbSNP rs200616275, ClinGen allele CA6677675.
Genomic context (GRCh38, chr12:68,719,444, plus strand): 5'-CAACACTTGAAGGCTGGAAACTGTACCATGACCCTAATGTTAATGGAGGTATTTTAGTAG[AT>A]TTTATTCTGACAGTTGAGGACAAAGGCATTTCGCTCTAAATGCCAATCTTTGTGAACTAT-3'